The following is an entry in ClinVar:

ClinVar aggregate classification (germline): Likely benign. Review status: criteria provided, multiple submitters, no conflicts (2 of 4 stars). 3 submissions from 3 submitters: Likely benign (2). 1 of the submissions does not count toward it. Last evaluated 2025-10-29.

Conditions:
CWC27-related disorder. Also called: CWC27-related condition.

Allele frequency attached by ClinVar (database versions not stated): gnomAD exomes 0.00002 and 0.00009; ExAC 0.00008; TOPMed 0.00008; gnomAD 0.00011; ESP Exome Variant Server 0.00023; 1000 Genomes Project 30x 0.00047; 1000 Genomes Project 0.00060.
gnomAD v4.1: 67 of 1,559,690 alleles (0.0043%); highest among the groups gnomAD compares: East Asian, 0.042%; 1 homozygote.

Submissions (3):

Labcorp Genetics (formerly Invitae), Labcorp
Classification: Likely benign. Last evaluated: 2025-10-29. Review status: criteria provided, single submitter. Criteria: Invitae Variant Classification Sherloc (09022015). Collection method: clinical testing. Allele origin: germline.

Blueprint Genetics
Classification: Likely benign. Last evaluated: 2024-02-15. Review status: criteria provided, single submitter. Criteria: ACMG Guidelines, 2015. Collection method: clinical testing. Allele origin: germline.

PreventionGenetics, part of Exact Sciences
Classification: Likely benign for CWC27-related condition. Last evaluated: 2024-09-17. Review status: no assertion criteria provided. Collection method: clinical testing. Allele origin: germline. Not counted in ClinVar's aggregate classification.
Comment: This variant is classified as likely benign based on ACMG/AMP sequence variant interpretation guidelines (Richards et al. 2015 PMID: 25741868, with internal and published modifications).

NM_005869.4(CWC27):c.49T>C (p.Leu17=)

Gene: CWC27 (CWC27 spliceosome associated cyclophilin; plus strand). Cytogenetic location: 5q12.3.
Variant type: single nucleotide variant.
Coding change: c.49T>C on transcript NM_005869.4 (MANE Select); coding-DNA position 49, T replaced by C.
Protein change: p.Leu17=; no amino-acid change (leucine 17 retained).
Molecular consequence: synonymous variant.
Genome position (GRCh38, 1-based): chr5:64,774,697, T>C. VCF-style: chr5-64774697-T-C. GRCh37 (hg19) VCF-style: chr5-64070524-T-C.
Other names: c.49T>C, p.Leu17= (NM_001297644.1, NM_001297645.2, NM_001318000.2 and 1 more transcripts).
Identifiers: ClinVar variation 749565 (VCV000749565.12), dbSNP rs369814947, ClinGen allele CA3281826.
Genomic context (GRCh38, chr5:64,774,697, plus strand): 5'-AACTGATTATTAAGCAAAATAATAATTTAATAAAATGTAATATTCTTTCTACAGGTTTTA[T>C]TGAAAACTACAGCTGGAGATATTGACATAGAGTTGTGGTCCAAAGAAGCTCCTAAAGCTT-3'
Protein context (NP_005860.2, residues 7-27): QEPPTNGKVL[Leu17=]KTTAGDIDIE